The following is an entry in ClinVar:

NM_177438.3(DICER1):c.4254G>C (p.Glu1418Asp)

Gene: DICER1 (dicer 1, ribonuclease III; minus strand). Cytogenetic location: 14q32.13.
Variant type: single nucleotide variant.
Coding change: c.4254G>C on transcript NM_177438.3 (MANE Select); coding-DNA position 4254, G replaced by C.
Protein change: p.Glu1418Asp; replaces glutamic acid 1418 with aspartic acid.
Molecular consequence: missense variant. On other transcripts: non-coding transcript variant (6).
Genome position (GRCh38, 1-based): chr14:95,096,666, C>G on the plus strand (G>C on the coding strand, the complement: DICER1 is on the minus strand). VCF-style: chr14-95096666-C-G. GRCh37 (hg19) VCF-style: chr14-95563003-C-G.
Other names: c.4254G>C, p.Glu1418Asp (NM_001395692.1, NM_001395693.1, NM_001395694.1 and 13 more transcripts); c.3849G>C, p.Glu1283Asp (NM_001395696.1, NM_001395687.1, NM_001395688.1 and 2 more transcripts); c.2571G>C, p.Glu857Asp (NM_001395697.1); c.3972G>C, p.Glu1324Asp (NM_001395686.1); c.3687G>C, p.Glu1229Asp (NM_001395691.1); short protein forms E857D, E1324D, E1283D, E1229D, E1418D.
Identifiers: ClinVar variation 2769727 (VCV002769727.3), dbSNP rs2542514419, ClinGen allele CA390869685.

ClinVar aggregate classification (germline): Uncertain significance (1 of 4 stars; one submission).

Conditions:
DICER1-related tumor predisposition. Also called: DICER1-related pleuropulmonary blastoma cancer predisposition syndrome; DICER1 syndrome. Identifiers: Orphanet 284343, MedGen C3839822, MONDO:0100216.

Submission:

Labcorp Genetics (formerly Invitae), Labcorp
Classification: Uncertain significance for DICER1-related tumor predisposition. Last evaluated: 2023-06-05. Review status: criteria provided, single submitter. Criteria: Invitae Variant Classification Sherloc (09022015). Collection method: clinical testing. Allele origin: germline.
Comment: In summary, the available evidence is currently insufficient to determine the role of this variant in disease. Therefore, it has been classified as a Variant of Uncertain Significance. Algorithms developed to predict the effect of missense changes on protein structure and function output the following: SIFT: "Not Available"; PolyPhen-2: "Possibly Damaging"; Align-GVGD: "Not Available". The aspartic acid amino acid residue is found in multiple mammalian species, which suggests that this missense change does not adversely affect protein function. This variant has not been reported in the literature in individuals affected with DICER1-related conditions. This variant is not present in population databases (gnomAD no frequency). This sequence change replaces glutamic acid, which is acidic and polar, with aspartic acid, which is acidic and polar, at codon 1418 of the DICER1 protein (p.Glu1418Asp).